The following is an entry in ClinVar:

ClinVar aggregate classification (germline): Pathogenic. Review status: criteria provided, single submitter (1 of 4 stars). 2 submissions from 2 submitters: Pathogenic (1). 1 of the submissions does not count toward it.

Conditions:
Cystic fibrosis (CF). Also called: MUCOVISCIDOSIS. Identifiers: Orphanet 586, MedGen C0010674, MONDO:0009061, OMIM 219700. Disease mechanism: loss of function.

Submissions (2):

Juno Genomics, Hangzhou Juno Genomics, Inc
Classification: Pathogenic for Cystic fibrosis. Review status: criteria provided, single submitter. Criteria: ACMG Guidelines, 2015. Collection method: clinical testing. Allele origin: germline.
Comment: Absent from controls (or at extremely low frequency if recessive) in Genome Aggregation Database.;Null variant in a gene where loss of function (LOF) is a known mechanism of disease.;For recessive disorders, detected in trans with a pathogenic variant.

Counsyl
Classification: Likely pathogenic for Cystic fibrosis. Last evaluated: 2017-05-17. Review status: no assertion criteria provided. Collection method: clinical testing. Allele origin: unknown. Not counted in ClinVar's aggregate classification.

Literature cited by the submitters: PubMed 22326559 (cited by Counsyl).

NM_000492.4(CFTR):c.405_406dup (p.Leu136fs)

Gene: CFTR (CF transmembrane conductance regulator; plus strand). Cytogenetic location: 7q31.2.
Variant type: Microsatellite.
Coding change: c.405_406dup on transcript NM_000492.4 (MANE Select); coding-DNA positions 405 to 406, 2 bases duplicated (AC; older notation c.405_406dupAC).
Protein change: p.Leu136fs; shifts the reading frame from leucine 136.
Molecular consequence: frameshift variant.
Genome position (GRCh38, 1-based): chr7:117,531,030-117,531,031, AC duplicated; duplicating any 2 consecutive bases within chr7:117,531,028-117,531,031 gives the same sequence; the c. name uses the placement nearest the transcript's 3' end. VCF-style (leftmost placement, unchanged base first): chr7-117531027-G-GAC. GRCh37 (hg19) VCF-style: chr7-117171081-G-GAC.
Other names: short protein forms L136fs.
Identifiers: ClinVar variation 551950 (VCV000551950.4), dbSNP rs1554379846, ClinGen allele CA658821271.